The following is an entry in ClinVar:

NC_000010.10:g.(?_43572697)_(43623727_?)dup

Genes: MCS+9.7 (RET intron 1 enhancer; plus strand), RET (ret proto-oncogene; plus strand), LOC110121502 (VISTA enhancer hs2326; plus strand), LOC130003705 (ATAC-STARR-seq lymphoblastoid silent region 2313; plus strand), LOC130003706 (ATAC-STARR-seq lymphoblastoid active region 3282; plus strand) and 5 more. Cytogenetic location: 10q11.21.
Variant type: Duplication.
Identifiers: ClinVar variation 662839 (VCV000662839.2).

ClinVar aggregate classification (germline): Uncertain significance (1 of 4 stars; one submission).

Conditions:
Multiple endocrine neoplasia, type 2 (MEN2). Identifiers: Orphanet 653, MedGen C4048306, MONDO:0019003. Disease mechanism: gain of function.

Submission:

Labcorp Genetics (formerly Invitae), Labcorp
Classification: Uncertain significance for Multiple endocrine neoplasia, type 2. Last evaluated: 2019-04-03. Review status: criteria provided, single submitter. Criteria: Invitae Variant Classification Sherloc (09022015). Collection method: clinical testing. Allele origin: germline.
Comment: This variant results in a copy number gain of the genomic region encompassing the full coding sequence of the RET gene. The boundaries of this event are unknown as they extend beyond the assayed region for this gene and therefore may encompass additional genes. As the precise location of this event is unknown, it may be in tandem or it may be located elsewhere in the genome. This variant has not been reported in the literature in individuals with RET-related disease. ClinVar contains an entry for this variant (Variation ID: 216711). In summary, the available evidence is currently insufficient to determine the role of this variant in disease. Therefore, it has been classified as a Variant of Uncertain Significance.